The following is an entry in ClinVar:

NM_001170629.2(CHD8):c.2258C>G (p.Ser753Cys)

Gene: CHD8 (chromodomain helicase DNA binding protein 8; minus strand). Cytogenetic location: 14q11.2.
Variant type: single nucleotide variant.
Coding change: c.2258C>G on transcript NM_001170629.2 (MANE Select); coding-DNA position 2258, C replaced by G.
Protein change: p.Ser753Cys; replaces serine 753 with cysteine.
Molecular consequence: missense variant.
Genome position (GRCh38, 1-based): chr14:21,409,957, G>C on the plus strand (C>G on the coding strand, the complement: CHD8 is on the minus strand). VCF-style: chr14-21409957-G-C. GRCh37 (hg19) VCF-style: chr14-21878116-G-C.
Other names: c.1421C>G, p.Ser474Cys (NM_020920.4); short protein forms S474C, S753C.
Identifiers: ClinVar variation 3364343 (VCV003364343.3).

ClinVar aggregate classification (germline): Uncertain significance. Review status: criteria provided, multiple submitters, no conflicts (2 of 4 stars). 2 submissions from 2 submitters: Uncertain significance (2). Last evaluated 2024-06-19.

gnomAD v4.1: 1 of 1,613,306 alleles (0.000062%); highest among the groups gnomAD compares: Non-Finnish European, 0.000085%; no homozygotes.

Submissions (2):

Labcorp Genetics (formerly Invitae), Labcorp
Classification: Uncertain significance. Last evaluated: 2024-06-19. Review status: criteria provided, single submitter. Criteria: Invitae Variant Classification Sherloc (09022015). Collection method: clinical testing. Allele origin: germline.
Comment: This sequence change replaces serine, which is neutral and polar, with cysteine, which is neutral and slightly polar, at codon 753 of the CHD8 protein (p.Ser753Cys). This variant is not present in population databases (gnomAD no frequency). This variant has not been reported in the literature in individuals affected with CHD8-related conditions. Advanced modeling of protein sequence and biophysical properties (such as structural, functional, and spatial information, amino acid conservation, physicochemical variation, residue mobility, and thermodynamic stability) performed at Invitae indicates that this missense variant is expected to disrupt CHD8 protein function with a positive predictive value of 80%. In summary, the available evidence is currently insufficient to determine the role of this variant in disease. Therefore, it has been classified as a Variant of Uncertain Significance.

GeneDx
Classification: Uncertain significance. Last evaluated: 2023-11-14. Review status: criteria provided, single submitter. Criteria: GeneDx Variant Classification Process June 2021. Collection method: clinical testing. Allele origin: germline. Affected: yes.
Comment: Not observed at significant frequency in large population cohorts (gnomAD); In silico analysis supports that this missense variant has a deleterious effect on protein structure/function; Has not been previously published as pathogenic or benign to our knowledge